The following is an entry in ClinVar:

ClinVar aggregate classification (germline): Uncertain significance (1 of 4 stars; one submission).

Conditions:
Tibial muscular dystrophy (TMD). Also called: UDD MYOPATHY; Udd Distal Myopathy – Tibial Muscular Dystrophy; Tibial muscular dystrophy, tardive. Identifiers: Orphanet 609, MedGen C1838244, MONDO:0010870, OMIM 600334.

Submission:

Centre for Mendelian Genomics, University Medical Centre Ljubljana
Classification: Uncertain significance for Tibial muscular dystrophy. Last evaluated: 2019-08-27. Review status: criteria provided, single submitter. Criteria: ACMG Guidelines, 2015. Collection method: clinical testing. Allele origin: unknown. Affected: yes.
Comment: This variant was classified as: Uncertain significance. The available evidence on this variant's pathogenicity is insufficient or conflicting. The following ACMG criteria were applied in classifying this variant: PM2.

NM_133379.5(TTN):c.14407G>A (p.Glu4803Lys)

Genes: TTN (titin; minus strand), LOC126806432 (CDK7 strongly-dependent group 2 enhancer GRCh37_chr2:179611985-179613184; plus strand). Cytogenetic location: 2q31.2.
Variant type: single nucleotide variant.
Coding change: c.14407G>A on transcript NM_133379.5; coding-DNA position 14407, G replaced by A.
Protein change: p.Glu4803Lys; replaces glutamic acid 4803 with lysine.
Molecular consequence: missense variant. On other transcripts: intron variant (6).
Genome position (GRCh38, 1-based): chr2:178,747,993, C>T on the plus strand (G>A on the coding strand, the complement: TTN is on the minus strand). VCF-style: chr2-178747993-C-T. GRCh37 (hg19) VCF-style: chr2-179612720-C-T.
Other names: c.10222+5131G>A (NM_003319.4); c.10798+5131G>A (NM_133437.4); c.10597+5131G>A (NM_133432.3); c.10360+5131G>A (NM_133378.4, NM_001256850.1); c.11311+5131G>A (NM_001267550.2); short protein forms E4803K.
Identifiers: ClinVar variation 931165 (VCV000931165.3), dbSNP rs2084167410, ClinGen allele CA349641696.